The following is an entry in ClinVar:

ClinVar aggregate classification (germline): Uncertain significance. Review status: criteria provided, multiple submitters, no conflicts (2 of 4 stars). 3 submissions from 3 submitters: Uncertain significance (2). 1 of the submissions does not count toward it. Last evaluated 2025-09-28.

Conditions:
Glycine encephalopathy. Also called: Nonketotic hyperglycinemia; Non-ketotic hyperglycinemia. Identifiers: Orphanet 407, MedGen C0751748, MONDO:0011612, HP:0008288.
Inborn genetic diseases. Identifiers: MedGen C0950123, MeSH D030342.

Allele frequency attached by ClinVar (database versions not stated): TOPMed below 0.00001.

Submissions (3):

Ambry Genetics
Classification: Uncertain significance for Inborn genetic diseases. Last evaluated: 2025-09-28. Review status: criteria provided, single submitter. Criteria: Ambry Variant Classification Scheme 2023. Collection method: clinical testing. Allele origin: germline.

Labcorp Genetics (formerly Invitae), Labcorp
Classification: Uncertain significance for Glycine encephalopathy. Last evaluated: 2023-11-27. Review status: criteria provided, single submitter. Criteria: Invitae Variant Classification Sherloc (09022015). Collection method: clinical testing. Allele origin: germline.
Comment: This sequence change replaces serine, which is neutral and polar, with arginine, which is basic and polar, at codon 527 of the GLDC protein (p.Ser527Arg). This variant is present in population databases (no rsID available, gnomAD no frequency). This variant has not been reported in the literature in individuals affected with GLDC-related conditions. ClinVar contains an entry for this variant (Variation ID: 2181248). Algorithms developed to predict the effect of missense changes on protein structure and function output the following: SIFT: "Not Available"; PolyPhen-2: "Benign"; Align-GVGD: "Not Available". The arginine amino acid residue is found in multiple mammalian species, which suggests that this missense change does not adversely affect protein function. In summary, the available evidence is currently insufficient to determine the role of this variant in disease. Therefore, it has been classified as a Variant of Uncertain Significance.

Natera, Inc.
Classification: Uncertain significance for Non-ketotic hyperglycinemia. Last evaluated: 2025-02-22. Review status: no assertion criteria provided. Collection method: clinical testing. Allele origin: germline. Not counted in ClinVar's aggregate classification.

NM_000170.3(GLDC):c.1579A>C (p.Ser527Arg)

Gene: GLDC (glycine decarboxylase; minus strand). Cytogenetic location: 9p24.1.
Variant type: single nucleotide variant.
Coding change: c.1579A>C on transcript NM_000170.3 (MANE Select); coding-DNA position 1579, A replaced by C.
Protein change: p.Ser527Arg; replaces serine 527 with arginine.
Molecular consequence: missense variant.
Genome position (GRCh38, 1-based): chr9:6,589,196, T>G on the plus strand (A>C on the coding strand, the complement: GLDC is on the minus strand). VCF-style: chr9-6589196-T-G. GRCh37 (hg19) VCF-style: chr9-6589196-T-G.
Other names: short protein forms S527R.
Identifiers: ClinVar variation 2181248 (VCV002181248.5), dbSNP rs758288549, ClinGen allele CA372893206.